The following is an entry in ClinVar:

NM_001142864.4(PIEZO1):c.6079G>A (p.Val2027Met)

Gene: PIEZO1 (piezo type mechanosensitive ion channel component 1 (Er blood group); minus strand). Cytogenetic location: 16q24.3.
Variant type: single nucleotide variant.
Coding change: c.6079G>A on transcript NM_001142864.4 (MANE Select); coding-DNA position 6079, G replaced by A.
Protein change: p.Val2027Met; replaces valine 2027 with methionine.
Molecular consequence: missense variant.
Genome position (GRCh38, 1-based): chr16:88,720,154, C>T on the plus strand (G>A on the coding strand, the complement: PIEZO1 is on the minus strand). VCF-style: chr16-88720154-C-T. GRCh37 (hg19) VCF-style: chr16-88786562-C-T.
Other names: c.6079G>A, p.Val2027Met (LRG_1137t1); short protein forms V2027M.
Identifiers: ClinVar variation 451610 (VCV000451610.3), dbSNP rs1221506488, ClinGen allele CA397085766.

ClinVar aggregate classification (germline): Uncertain significance. Review status: criteria provided, multiple submitters, no conflicts (2 of 4 stars). 2 submissions from 2 submitters: Uncertain significance (2). Last evaluated 2025-11-11.

Conditions:
Inborn genetic diseases. Identifiers: MedGen C0950123, MeSH D030342.

Allele frequency attached by ClinVar (database versions not stated): gnomAD exomes 0.00002 and 0.00001; gnomAD 0.00001; TOPMed 0.00003.
gnomAD v4.1: 19 of 1,550,356 alleles (0.0012%); highest among the groups gnomAD compares: East Asian, 0.0049%; no homozygotes.

Submissions (2):

Ambry Genetics
Classification: Uncertain significance for Inborn genetic diseases. Last evaluated: 2025-11-11. Review status: criteria provided, single submitter. Criteria: Ambry Variant Classification Scheme 2023. Collection method: clinical testing. Allele origin: germline.

GeneDx
Classification: Uncertain significance. Last evaluated: 2017-08-30. Review status: criteria provided, single submitter. Criteria: GeneDx Variant Classification (06012015). Collection method: clinical testing. Allele origin: germline. Affected: yes.
Comment: The V2027M variant in the PIEZO1 gene has not been reported previously as a pathogenic variant, nor as a benign variant, to our knowledge. The V2027M variant is not observed in large population cohorts (Lek et al., 2016; 1000 Genomes Consortium et al., 2015; Exome Variant Server). The V2027M variant is a conservative amino acid substitution, which is not likely to impact secondary protein structure as these residues share similar properties. This substitution occurs at a position that is conserved across species. In silico analysis is inconsistent in its predictions as to whether or not the variant is damaging to the protein structure/function. We interpret V2027M as a variant of uncertain significance.